The following is an entry in ClinVar:

NM_002016.2(FLG):c.975G>A (p.Ala325=)

Genes: CCDST (cervical cancer associated DHX9 suppressive transcript; plus strand), FLG (filaggrin; minus strand). Cytogenetic location: 1q21.3.
Variant type: single nucleotide variant.
Coding change: c.975G>A on transcript NM_002016.2 (MANE Select); coding-DNA position 975, G replaced by A.
Protein change: p.Ala325=; no amino-acid change (alanine 325 retained).
Molecular consequence: synonymous variant. On other transcripts: non-coding transcript variant (1).
Genome position (GRCh38, 1-based): chr1:152,313,911, C>T on the plus strand (G>A on the coding strand, the complement: FLG is on the minus strand). VCF-style: chr1-152313911-C-T. GRCh37 (hg19) VCF-style: chr1-152286387-C-T.
Identifiers: ClinVar variation 3040440 (VCV003040440.3), dbSNP rs146115338, ClinGen allele CA1107840.

ClinVar aggregate classification (germline): Likely benign. Review status: criteria provided, single submitter (1 of 4 stars). 2 submissions from 2 submitters: Likely benign (1). 1 of the submissions does not count toward it. Last evaluated 2024-10-24.

Conditions:
FLG-related disorder. Also called: FLG-related condition; FLG-related disorders.

Allele frequency attached by ClinVar (database versions not stated): ESP Exome Variant Server 0.00008; 1000 Genomes Project 30x 0.00406; 1000 Genomes Project 0.00439.
gnomAD v4.1: 1,528 of 1,614,002 alleles (0.095%); highest among the groups gnomAD compares: East Asian, 2.8%; 28 homozygotes.

Submissions (2):

Blueprint Genetics
Classification: Likely benign. Last evaluated: 2024-10-24. Review status: criteria provided, single submitter. Criteria: ACMG Guidelines, 2015. Collection method: clinical testing. Allele origin: germline.

PreventionGenetics, part of Exact Sciences
Classification: Benign for FLG-related condition. Last evaluated: 2019-04-24. Review status: no assertion criteria provided. Collection method: clinical testing. Allele origin: germline. Not counted in ClinVar's aggregate classification.
Comment: This variant is classified as benign based on ACMG/AMP sequence variant interpretation guidelines (Richards et al. 2015 PMID: 25741868, with internal and published modifications).